The following is an entry in ClinVar:

NM_000312.4(PROC):c.635T>C (p.Leu212Pro)

Gene: PROC (protein C, inactivator of coagulation factors Va and VIIIa; plus strand). Cytogenetic location: 2q14.3.
Variant type: single nucleotide variant.
Coding change: c.635T>C on transcript NM_000312.4 (MANE Select); coding-DNA position 635, T replaced by C.
Protein change: p.Leu212Pro; replaces leucine 212 with proline.
Molecular consequence: missense variant.
Genome position (GRCh38, 1-based): chr2:127,426,184, T>C. VCF-style: chr2-127426184-T-C. GRCh37 (hg19) VCF-style: chr2-128183760-T-C.
Other names: c.818T>C, p.Leu273Pro (NM_001375602.1); c.800T>C, p.Leu267Pro (NM_001375603.1); c.698T>C, p.Leu233Pro (NM_001375604.1); c.611T>C, p.Leu204Pro (NM_001375609.1); c.821T>C, p.Leu274Pro (NM_001375607.1); c.629T>C, p.Leu210Pro (NM_001375610.1); c.737T>C, p.Leu246Pro (NM_001375605.1); c.578T>C, p.Leu193Pro (NM_001375608.1); and 2 more; short protein forms L210P, L212P, L233P, L246P, L193P, L204P, L267P, L268P.
Identifiers: ClinVar variation 2768041 (VCV002768041.3), dbSNP rs2468358861, ClinGen allele CA348401504.
Genomic context (GRCh38, chr2:127,426,184, plus strand): 5'-AGAAGCGCAGTCACCTGAAACGAGACACAGAAGACCAAGAAGACCAAGTAGATCCGCGGC[T>C]CATTGATGGGAAGATGACCAGGCGGGGAGACAGCCCCTGGCAGGTGGGAGGCGAGGCAGC-3'
Protein context (NP_000303.1, residues 202-222): EDQEDQVDPR[Leu212Pro]IDGKMTRRGD

ClinVar aggregate classification (germline): Uncertain significance (1 of 4 stars; one submission).

Conditions:
Thrombophilia due to protein C deficiency, autosomal dominant. Also called: PROC DEFICIENCY, AUTOSOMAL DOMINANT; PROTEIN C DEFICIENCY, AUTOSOMAL DOMINANT. Identifiers: Orphanet 745, MedGen C2674321, MONDO:0008316, OMIM 176860. Disease mechanism: loss of function.

Submission:

Labcorp Genetics (formerly Invitae), Labcorp
Classification: Uncertain significance for Thrombophilia due to protein C deficiency, autosomal dominant. Last evaluated: 2023-10-13. Review status: criteria provided, single submitter. Criteria: Invitae Variant Classification Sherloc (09022015). Collection method: clinical testing. Allele origin: germline.
Comment: This sequence change replaces leucine, which is neutral and non-polar, with proline, which is neutral and non-polar, at codon 212 of the PROC protein (p.Leu212Pro). This variant is not present in population databases (gnomAD no frequency). This variant has not been reported in the literature in individuals affected with PROC-related conditions. Advanced modeling of protein sequence and biophysical properties (such as structural, functional, and spatial information, amino acid conservation, physicochemical variation, residue mobility, and thermodynamic stability) has been performed at Invitae for this missense variant, however the output from this modeling did not meet the statistical confidence thresholds required to predict the impact of this variant on PROC protein function. In summary, the available evidence is currently insufficient to determine the role of this variant in disease. Therefore, it has been classified as a Variant of Uncertain Significance.